The following is an entry in ClinVar:

NM_018122.5(DARS2):c.1077A>C (p.Ala359=)

Gene: DARS2 (aspartyl-tRNA synthetase 2, mitochondrial; plus strand). Cytogenetic location: 1q25.1.
Variant type: single nucleotide variant.
Coding change: c.1077A>C on transcript NM_018122.5 (MANE Select); coding-DNA position 1077, A replaced by C.
Protein change: p.Ala359=; no amino-acid change (alanine 359 retained).
Molecular consequence: synonymous variant.
Genome position (GRCh38, 1-based): chr1:173,840,922, A>C. VCF-style: chr1-173840922-A-C. GRCh37 (hg19) VCF-style: chr1-173810060-A-C.
Other names: c.1077A>C, p.Ala359= (NM_001365212.1, NM_001365213.2).
Identifiers: ClinVar variation 4875263 (VCV004875263.2).

ClinVar aggregate classification (germline): Likely benign (1 of 4 stars; one submission).

gnomAD v4.1: 1 of 1,613,308 alleles (0.000062%); no homozygotes.

Submission:

CeGaT Center for Human Genetics Tuebingen
Classification: Likely benign. Last evaluated: 2026-06-01. Review status: criteria provided, single submitter. Criteria: CeGaT Center For Human Genetics Tuebingen Variant Classification Criteria Version 2. Collection method: clinical testing. Allele origin: germline. Affected: yes. Observed: 1 variant allele.
Comment: DARS2: BP4, BP7